The following is an entry in ClinVar:

NM_032043.3(BRIP1):c.292_293del (p.Asn97_Asn98insTer)

Gene: BRIP1 (BRCA1 interacting DNA helicase 1; minus strand). Cytogenetic location: 17q23.2.
Variant type: Deletion.
Coding change: c.292_293del on transcript NM_032043.3 (MANE Select); coding-DNA positions 292 to 293, 2 bases deleted (AA; older notation c.292_293delAA).
Protein change: p.Asn97_Asn98insTer.
Molecular consequence: nonsense.
Genome position (GRCh38, 1-based): chr17:61,857,144-61,857,145, TT deleted on the plus strand (AA on the coding strand, the reverse complement: BRIP1 is on the minus strand). VCF-style (leftmost placement, unchanged base first): chr17-61857143-ATT-A. GRCh37 (hg19) VCF-style: chr17-59934504-ATT-A.
Identifiers: ClinVar variation 1377223 (VCV001377223.10), dbSNP rs2145828926, ClinGen allele CA2573154327.
Genomic context (GRCh38, chr17:61,857,143, plus strand): 5'-TCTTTCAGAAGGTGGTGTGCTTGGATAGTTGAAATGACGTGAAGTTCCTTGGTTCATGTC[ATT>A]GTTTGTAAAATCCTTTGAATGGCATGCACAACAACATGACAATTGTACTTCAGCTTTTTC-3'

ClinVar aggregate classification (germline): Pathogenic/Likely pathogenic. Review status: criteria provided, multiple submitters, no conflicts (2 of 4 stars). 4 submissions from 4 submitters: Pathogenic (3); Likely pathogenic (1). Last evaluated 2023-11-28.

Conditions:
Familial cancer of breast. Also called: BREAST CANCER, FAMILIAL; Hereditary breast cancer; hereditary breast carcinoma. Identifiers: Orphanet 227535, MedGen C0346153, MONDO:0016419, OMIM 114480. Disease mechanism: loss of function.
Fanconi anemia complementation group J. Also called: BRIP1-Related Fanconi Anemia. Identifiers: Orphanet 84, MedGen C1836860, MONDO:0012187, OMIM 609054.
Hereditary cancer-predisposing syndrome. Also called: Tumor predisposition; Hereditary neoplastic syndrome; Neoplastic Syndromes, Hereditary; Hereditary Cancer Syndrome. Identifiers: Orphanet 140162, MedGen C0027672, MeSH D009386, MONDO:0015356.

Submissions (4):

Baylor Genetics
Classification: Likely pathogenic for Familial cancer of breast. Last evaluated: 2023-11-28. Review status: criteria provided, single submitter. Criteria: ACMG Guidelines, 2015. Collection method: clinical testing. Allele origin: unknown.

Myriad Genetics, Inc.
Classification: Pathogenic for Familial cancer of breast. Last evaluated: 2023-01-11. Review status: criteria provided, single submitter. Criteria: Myriad Autosomal Dominant, Autosomal Recessive and X-Linked Classification Criteria (2023). Collection method: clinical testing. Allele origin: unknown.
Comment: This variant is considered pathogenic. This variant creates a termination codon and is predicted to result in premature protein truncation.

Ambry Genetics
Classification: Pathogenic for Hereditary cancer-predisposing syndrome. Last evaluated: 2022-05-31. Review status: criteria provided, single submitter. Criteria: Ambry Variant Classification Scheme 2023. Collection method: clinical testing. Allele origin: germline.
Comment: The c.292_293delAA pathogenic mutation, located in coding exon 3 of the BRIP1 gene, results from a deletion of two nucleotides at nucleotide positions 292 to 293, causing a translational frameshift with a predicted alternate stop codon (p.N98*). This variant is considered to be rare based on population cohorts in the Genome Aggregation Database (gnomAD). This alteration is expected to result in loss of function by premature protein truncation or nonsense-mediated mRNA decay. As such, this alteration is interpreted as a disease-causing mutation.

Labcorp Genetics (formerly Invitae), Labcorp
Classification: Pathogenic for Familial cancer of breast; Fanconi anemia complementation group J. Last evaluated: 2021-11-05. Review status: criteria provided, single submitter. Criteria: Invitae Variant Classification Sherloc (09022015). Collection method: clinical testing. Allele origin: germline.
Comment: For these reasons, this variant has been classified as Pathogenic. This sequence change creates a premature translational stop signal (p.Asn98*) in the BRIP1 gene. It is expected to result in an absent or disrupted protein product. Loss-of-function variants in BRIP1 are known to be pathogenic (PMID: 16116423, 17033622, 21964575). This variant is not present in population databases (gnomAD no frequency). This variant has not been reported in the literature in individuals affected with BRIP1-related conditions.

Literature cited by the submitters: PubMed 16116423 (cited by Labcorp Genetics (formerly Invitae), Labcorp); PubMed 17033622 (cited by Labcorp Genetics (formerly Invitae), Labcorp); PubMed 21964575 (cited by Labcorp Genetics (formerly Invitae), Labcorp).